The following is an entry in ClinVar:

NM_007254.4(PNKP):c.1311T>C (p.Cys437=)

Gene: PNKP (polynucleotide kinase 3'-phosphatase; minus strand). Cytogenetic location: 19q13.33.
Variant type: single nucleotide variant.
Coding change: c.1311T>C on transcript NM_007254.4 (MANE Select); coding-DNA position 1311, T replaced by C.
Protein change: p.Cys437=; no amino-acid change (cysteine 437 retained).
Molecular consequence: synonymous variant.
Genome position (GRCh38, 1-based): chr19:49,861,683, A>G on the plus strand (T>C on the coding strand, the complement: PNKP is on the minus strand). VCF-style: chr19-49861683-A-G. GRCh37 (hg19) VCF-style: chr19-50364940-A-G.
Identifiers: ClinVar variation 2582973 (VCV002582973.25), dbSNP rs1309576866, ClinGen allele CA406933265.
Genomic context (GRCh38, chr19:49,861,683, plus strand): 5'-CGCCTGCTCCAGAGTGGCGGTGAAGAGGAAGCAGCGGCAGGGGACGCCCGCGGCTCGGGC[A>G]CACTGGACGTACCTGTGGGGGAAGGAGCTGGATGTGCAGGCCCCGCCCACCCCGCCGCAG-3'
Protein context (NP_009185.2, residues 427-447): DAASRARYVQ[Cys437=]ARAAGVPCRC

ClinVar aggregate classification (germline): Likely benign (1 of 4 stars; one submission).

Allele frequency attached by ClinVar (database versions not stated): TOPMed below 0.00001; gnomAD 0.00001; gnomAD exomes 0.00005.
gnomAD v4.1: 71 of 1,547,076 alleles (0.0046%); highest among the groups gnomAD compares: Non-Finnish European, 0.0058%; no homozygotes.

Submission:

CeGaT Center for Human Genetics Tuebingen
Classification: Likely benign. Last evaluated: 2023-09-01. Review status: criteria provided, single submitter. Criteria: CeGaT Center For Human Genetics Tuebingen Variant Classification Criteria Version 2. Collection method: clinical testing. Allele origin: germline. Affected: yes. Observed: 1 variant allele.
Comment: PNKP: BP4, BP7